The following is an entry in ClinVar:

ClinVar aggregate classification (germline): Uncertain significance. Review status: criteria provided, multiple submitters, no conflicts (2 of 4 stars). 2 submissions from 2 submitters: Uncertain significance (2). Last evaluated 2024-10-14.

Submissions (2):

GeneDx
Classification: Uncertain significance. Last evaluated: 2024-10-14. Review status: criteria provided, single submitter. Criteria: GeneDx Variant Classification Process June 2021. Collection method: clinical testing. Allele origin: germline. Affected: yes.
Comment: Not observed at significant frequency in large population cohorts (gnomAD); In silico analysis supports that this missense variant has a deleterious effect on protein structure/function; Has not been previously published as pathogenic or benign to our knowledge

CeGaT Center for Human Genetics Tuebingen
Classification: Uncertain significance. Last evaluated: 2020-05-01. Review status: criteria provided, single submitter. Criteria: CeGaT Center For Human Genetics Tuebingen Variant Classification Criteria Version 2. Collection method: clinical testing. Allele origin: germline. Affected: yes. Observed: 1 variant allele.

NM_002693.3(POLG):c.3437G>T (p.Arg1146Leu)

Gene: POLG (DNA polymerase gamma, catalytic subunit; minus strand). Cytogenetic location: 15q26.1.
Variant type: single nucleotide variant.
Coding change: c.3437G>T on transcript NM_002693.3 (MANE Select); coding-DNA position 3437, G replaced by T.
Protein change: p.Arg1146Leu; replaces arginine 1146 with leucine.
Molecular consequence: missense variant.
Genome position (GRCh38, 1-based): chr15:89,318,586, C>A on the plus strand (G>T on the coding strand, the complement: POLG is on the minus strand). VCF-style: chr15-89318586-C-A. GRCh37 (hg19) VCF-style: chr15-89861817-C-A.
Other names: c.3437G>T, p.Arg1146Leu (NM_001126131.2); c.3437G>T (NM_002693.2); short protein forms R1146L.
Identifiers: ClinVar variation 932345 (VCV000932345.39), dbSNP rs1202309863, ClinGen allele CA393749731.